The following is an entry in ClinVar:

ClinVar aggregate classification (germline): Uncertain significance. Review status: criteria provided, multiple submitters, no conflicts (2 of 4 stars). 3 submissions from 3 submitters: Uncertain significance (2). 1 of the submissions does not count toward it. Last evaluated 2025-01-06.

Conditions:
Athabaskan severe combined immunodeficiency (SCIDA). Also called: Severe combined immunodeficiency, athabascan-type. Identifiers: MedGen C1865370.
Severe combined immunodeficiency due to DCLRE1C deficiency (RS-SCID). Also called: SCID, AUTOSOMAL RECESSIVE, T CELL-NEGATIVE, B CELL-NEGATIVE, NK CELL-POSITIVE, WITH SENSITIVITY TO IONIZING RADIATION. Identifiers: Orphanet 275, MedGen C1865371, MONDO:0011225, OMIM 602450.

Allele frequency attached by ClinVar (database versions not stated): ExAC 0.00002; gnomAD 0.00002; TOPMed 0.00003; gnomAD exomes 0.00002.
gnomAD v4.1: 29 of 1,613,070 alleles (0.0018%); highest among the groups gnomAD compares: Middle Eastern, 0.016%; 1 homozygote.

Submissions (3):

Labcorp Genetics (formerly Invitae), Labcorp
Classification: Uncertain significance for Athabaskan severe combined immunodeficiency. Last evaluated: 2025-01-06. Review status: criteria provided, single submitter. Criteria: Invitae Variant Classification Sherloc (09022015). Collection method: clinical testing. Allele origin: germline.
Comment: This sequence change replaces arginine, which is basic and polar, with tryptophan, which is neutral and slightly polar, at codon 360 of the DCLRE1C protein (p.Arg360Trp). This variant is present in population databases (rs748164114, gnomAD 0.008%). This variant has not been reported in the literature in individuals affected with DCLRE1C-related conditions. ClinVar contains an entry for this variant (Variation ID: 593945). Invitae Evidence Modeling of protein sequence and biophysical properties (such as structural, functional, and spatial information, amino acid conservation, physicochemical variation, residue mobility, and thermodynamic stability) indicates that this missense variant is not expected to disrupt DCLRE1C protein function with a negative predictive value of 80%. In summary, the available evidence is currently insufficient to determine the role of this variant in disease. Therefore, it has been classified as a Variant of Uncertain Significance.

Eurofins Ntd Llc (ga)
Classification: Uncertain significance. Last evaluated: 2017-09-25. Review status: criteria provided, single submitter. Criteria: EGL Classification Definitions 2015. Collection method: clinical testing. Allele origin: germline. Observed: 1 variant allele, 1 heterozygote.

Natera, Inc.
Classification: Uncertain significance for Athabascan severe combined immunodeficiency. Last evaluated: 2021-04-05. Review status: no assertion criteria provided. Collection method: clinical testing. Allele origin: germline. Not counted in ClinVar's aggregate classification.

NM_001033855.3(DCLRE1C):c.1078C>T (p.Arg360Trp)

Gene: DCLRE1C (DNA cross-link repair 1C; minus strand). Cytogenetic location: 10p13.
Variant type: single nucleotide variant.
Coding change: c.1078C>T on transcript NM_001033855.3 (MANE Select); coding-DNA position 1078, C replaced by T.
Protein change: p.Arg360Trp; replaces arginine 360 with tryptophan.
Molecular consequence: missense variant. On other transcripts: non-coding transcript variant (4).
Genome position (GRCh38, 1-based): chr10:14,919,816, G>A on the plus strand (C>T on the coding strand, the complement: DCLRE1C is on the minus strand). VCF-style: chr10-14919816-G-A. GRCh37 (hg19) VCF-style: chr10-14961815-G-A.
Other names: c.718C>T, p.Arg240Trp (NM_001033857.3, NM_001033858.3, NM_001289077.2 and 2 more transcripts); c.733C>T, p.Arg245Trp (NM_001289076.2, NM_001289078.2, NM_001350966.2 and 1 more transcripts); c.1078C>T, p.Arg360Trp (NM_001350965.2); short protein forms R360W, R240W, R245W.
Identifiers: ClinVar variation 593945 (VCV000593945.10), dbSNP rs748164114, ClinGen allele CA5416555.